The following is an entry in ClinVar:

ClinVar aggregate classification (germline): Likely pathogenic (1 of 4 stars; one submission).

Conditions:
COL4A3-related disorder. Also called: COL4A3-Related Disorders; COL4A3-related condition.

Submission:

PreventionGenetics, part of Exact Sciences
Classification: Likely pathogenic for COL4A3-related condition. Last evaluated: 2023-04-25. Review status: criteria provided, single submitter. Criteria: ACMG Guidelines, 2015. Collection method: clinical testing. Allele origin: germline.
Comment: The COL4A3 c.4332_4333delAG variant is predicted to result in a frameshift and premature protein termination (p.Gly1445Leufs*64). To our knowledge, this variant has not been reported in the literature. This variant is reported in 0.0065% of alleles in individuals of European (Non-Finnish) descent in gnomAD. Frameshift variants in COL4A3 are expected to be pathogenic. This variant is interpreted as likely pathogenic.

NM_000091.5(COL4A3):c.4332_4333del (p.Gly1445fs)

Genes: COL4A3 (collagen type IV alpha 3 chain; plus strand), MFF-DT (MFF divergent transcript; minus strand). Cytogenetic location: 2q36.3.
Variant type: Microsatellite.
Coding change: c.4332_4333del on transcript NM_000091.5 (MANE Select); coding-DNA positions 4332 to 4333, 2 bases deleted (AG; older notation c.4332_4333delAG).
Protein change: p.Gly1445fs; shifts the reading frame from glycine 1445.
Molecular consequence: frameshift variant.
Genome position (GRCh38, 1-based): chr2:227,307,789-227,307,790, AG deleted; deleting any 2 consecutive bases within chr2:227,307,786-227,307,790 gives the same sequence; the c. name uses the placement nearest the transcript's 3' end. VCF-style (leftmost placement, unchanged base first): chr2-227307785-CGA-C. GRCh37 (hg19) VCF-style: chr2-228172501-CGA-C.
Other names: c.4330_4331AG[1], p.Gly1445Leufs (NM_000091.4); c.4332_4333delAG (NM_000091.4); short protein forms G1445fs.
Identifiers: ClinVar variation 2633860 (VCV002633860.1), dbSNP rs1301696262, ClinGen allele CA540306725.